The following is an entry in ClinVar:

NM_004656.4(BAP1):c.867C>G (p.Ser289Arg)

Gene: BAP1 (BRCA1 associated deubiquitinase 1; minus strand). Cytogenetic location: 3p21.1.
Variant type: single nucleotide variant.
Coding change: c.867C>G on transcript NM_004656.4 (MANE Select); coding-DNA position 867, C replaced by G.
Protein change: p.Ser289Arg; replaces serine 289 with arginine.
Molecular consequence: missense variant.
Genome position (GRCh38, 1-based): chr3:52,405,829, G>C on the plus strand (C>G on the coding strand, the complement: BAP1 is on the minus strand). VCF-style: chr3-52405829-G-C. GRCh37 (hg19) VCF-style: chr3-52439845-G-C.
Other names: c.867C>G (LRG_529t1); short protein forms S289R.
Identifiers: ClinVar variation 489649 (VCV000489649.6), dbSNP rs1553645482, ClinGen allele CA353106705.
Genomic context (GRCh38, chr3:52,405,829, plus strand): 5'-GTGGTTGCCCTCAGAGGCTGCAGGGGCCCTGTTTGCTTCCAGCACCAGCGGGGACTTGTT[G>C]CTGGCTGACTTGGACTCCTCAGGCAGCTGTGACTCTTGAGACTTGTGGGTCTGAATCAGC-3'
Protein context (NP_004647.1, residues 279-299): SQLPEESKSA[Ser289Arg]NKSPLVLEAN

ClinVar aggregate classification (germline): Uncertain significance (1 of 4 stars; one submission).

Conditions:
Hereditary cancer-predisposing syndrome. Also called: Hereditary Cancer Syndrome; Neoplastic Syndromes, Hereditary; Tumor predisposition; Hereditary neoplastic syndrome. Identifiers: Orphanet 140162, MedGen C0027672, MeSH D009386, MONDO:0015356.

Allele frequency attached by ClinVar (database versions not stated): TOPMed below 0.00001.

Submission:

Color Diagnostics, LLC DBA Color Health
Classification: Uncertain significance for Hereditary cancer-predisposing syndrome. Last evaluated: 2023-12-05. Review status: criteria provided, single submitter. Criteria: ACMG Guidelines, 2015. Collection method: clinical testing. Allele origin: germline.
Comment: This missense variant replaces serine with arginine at codon 289 of the BAP1 protein. Computational prediction suggests that this variant may not impact protein structure and function (internally defined REVEL score threshold <= 0.5, PMID: 27666373). To our knowledge, functional studies have not been reported for this variant. This variant has not been reported in individuals affected with BAP1-related disorders in the literature. This variant has not been identified in the general population by the Genome Aggregation Database (gnomAD). The available evidence is insufficient to determine the role of this variant in disease conclusively. Therefore, this variant is classified as a Variant of Uncertain Significance.